The following is an entry in ClinVar:

ClinVar aggregate classification (germline): Uncertain significance (1 of 4 stars; one submission).

Submission:

Labcorp Genetics (formerly Invitae), Labcorp
Classification: Uncertain significance. Last evaluated: 2022-08-30. Review status: criteria provided, single submitter. Criteria: Invitae Variant Classification Sherloc (09022015). Collection method: clinical testing. Allele origin: germline.
Comment: This sequence change replaces proline, which is neutral and non-polar, with serine, which is neutral and polar, at codon 77 of the ALPK3 protein (p.Pro77Ser). In summary, the available evidence is currently insufficient to determine the role of this variant in disease. Therefore, it has been classified as a Variant of Uncertain Significance. Algorithms developed to predict the effect of missense changes on protein structure and function are either unavailable or do not agree on the potential impact of this missense change (SIFT: "Deleterious"; PolyPhen-2: "Possibly Damaging"; Align-GVGD: "Class C0"). This variant has not been reported in the literature in individuals affected with ALPK3-related conditions. This variant is not present in population databases (gnomAD no frequency).

NC_000015.10:g.84817075C>T

Gene: ALPK3 (alpha kinase 3; plus strand). Cytogenetic location: 15q25.3.
Variant type: single nucleotide variant.
Genome position: GRCh38 VCF-style: chr15-84817075-C-T. GRCh37 (hg19) VCF-style: chr15-85360306-C-T.
Identifiers: ClinVar variation 1718356 (VCV001718356.6), dbSNP rs1347422240, ClinGen allele CA393368479.